The following is an entry in ClinVar:

NM_004360.5(CDH1):c.2576A>G (p.Tyr859Cys)

Gene: CDH1 (cadherin 1; plus strand). Cytogenetic location: 16q22.1.
Variant type: single nucleotide variant.
Coding change: c.2576A>G on transcript NM_004360.5 (MANE Select); coding-DNA position 2576, A replaced by G.
Protein change: p.Tyr859Cys; replaces tyrosine 859 with cysteine.
Molecular consequence: missense variant.
Genome position (GRCh38, 1-based): chr16:68,833,426, A>G. VCF-style: chr16-68833426-A-G. GRCh37 (hg19) VCF-style: chr16-68867329-A-G.
Other names: c.2576A>G (LRG_301t1, NM_004360.4); c.2393A>G, p.Tyr798Cys (NM_001317184.2); c.1028A>G, p.Tyr343Cys (NM_001317185.2); c.611A>G, p.Tyr204Cys (NM_001317186.2); short protein forms Y204C, Y343C, Y798C, Y859C.
Identifiers: ClinVar variation 647512 (VCV000647512.14), dbSNP rs1596976571, ClinGen allele CA396472532.
Genomic context (GRCh38, chr16:68,833,426, plus strand): 5'-GTTCCGAAGCTGCTAGTCTGAGCTCCCTGAACTCCTCAGAGTCAGACAAAGACCAGGACT[A>G]TGACTACTTGAACGAATGGGGCAATCGCTTCAAGAAGCTGGCTGACATGTACGGAGGCGG-3'
Protein context (NP_004351.1, residues 849-869): NSSESDKDQD[Tyr859Cys]DYLNEWGNRF

ClinVar aggregate classification (germline): Uncertain significance. Review status: criteria provided, multiple submitters, no conflicts (2 of 4 stars). 3 submissions from 3 submitters: Uncertain significance (3). Last evaluated 2024-03-29.

Conditions:
Hereditary diffuse gastric adenocarcinoma (HDGC). Also called: DIFFUSE GASTRIC AND LOBULAR BREAST CANCER SYNDROME. Identifiers: Orphanet 26106, MedGen C1708349, MONDO:0007648, OMIM 137215.
Hereditary cancer-predisposing syndrome. Also called: Hereditary Cancer Syndrome; Tumor predisposition; Neoplastic Syndromes, Hereditary; Hereditary neoplastic syndrome. Identifiers: Orphanet 140162, MedGen C0027672, MeSH D009386, MONDO:0015356.

Allele frequency attached by ClinVar (database versions not stated): gnomAD exomes below 0.00001.
gnomAD v4.1: 3 of 1,614,200 alleles (0.00019%); highest among the groups gnomAD compares: Non-Finnish European, 0.00025%; no homozygotes.

Submissions (3):

Quest Diagnostics Nichols Institute San Juan Capistrano
Classification: Uncertain significance. Last evaluated: 2024-03-29. Review status: criteria provided, single submitter. Criteria: Quest Diagnostics criteria. Collection method: clinical testing. Allele origin: unknown.
Comment: The CDH1 c.2576A>G (p.Tyr859Cys) variant has been reported in the published literature in a reportedly healthy individual (PMID: 30287823 (2018)). This variant has not been reported in large, multi-ethnic general populations (Genome Aggregation Database). Analysis of this variant using bioinformatics tools for the prediction of the effect of amino acid changes on protein structure and function yielded predictions that this variant is damaging. Based on the available information, we are unable to determine the clinical significance of this variant.

Ambry Genetics
Classification: Uncertain significance for Hereditary cancer-predisposing syndrome. Last evaluated: 2023-12-15. Review status: criteria provided, single submitter. Criteria: Ambry Variant Classification Scheme 2023. Collection method: clinical testing. Allele origin: germline.
Comment: The p.Y859C variant (also known as c.2576A>G), located in coding exon 16 of the CDH1 gene, results from an A to G substitution at nucleotide position 2576. The tyrosine at codon 859 is replaced by cysteine, an amino acid with highly dissimilar properties. This amino acid position is highly conserved in available vertebrate species. In addition, this alteration is predicted to be deleterious by in silico analysis. Since supporting evidence is limited at this time, the clinical significance of this alteration remains unclear.

Labcorp Genetics (formerly Invitae), Labcorp
Classification: Uncertain significance for Hereditary diffuse gastric adenocarcinoma. Last evaluated: 2023-09-10. Review status: criteria provided, single submitter. Criteria: Invitae Variant Classification Sherloc (09022015). Collection method: clinical testing. Allele origin: germline.
Comment: In summary, the available evidence is currently insufficient to determine the role of this variant in disease. Therefore, it has been classified as a Variant of Uncertain Significance. An algorithm developed to predict the effect of missense changes on protein structure and function (PolyPhen-2) suggests that this variant is likely to be disruptive. ClinVar contains an entry for this variant (Variation ID: 647512). This variant has not been reported in the literature in individuals affected with CDH1-related conditions. This variant is not present in population databases (gnomAD no frequency). This sequence change replaces tyrosine, which is neutral and polar, with cysteine, which is neutral and slightly polar, at codon 859 of the CDH1 protein (p.Tyr859Cys).

Literature cited by the submitters: PubMed 30287823 (cited by Quest Diagnostics Nichols Institute San Juan Capistrano).